The following is an entry in ClinVar:

NM_000540.3(RYR1):c.2050G>C (p.Gly684Arg)

Gene: RYR1 (ryanodine receptor 1; plus strand). Cytogenetic location: 19q13.2.
Variant type: single nucleotide variant.
Coding change: c.2050G>C on transcript NM_000540.3 (MANE Select); coding-DNA position 2050, G replaced by C.
Protein change: p.Gly684Arg; replaces glycine 684 with arginine.
Molecular consequence: missense variant.
Genome position (GRCh38, 1-based): chr19:38,458,175, G>C. VCF-style: chr19-38458175-G-C. GRCh37 (hg19) VCF-style: chr19-38948815-G-C.
Other names: NM_000540.2(RYR1):c.2050G>C; p.Gly684Arg; NM_001042723.2:c.2050G>C; c.2050G>C, p.Gly684Arg (NM_001042723.2); short protein forms G684R.
Identifiers: ClinVar variation 1214003 (VCV001214003.3), dbSNP rs747177274, ClinGen allele CA308125799.

ClinVar aggregate classification (germline): Uncertain significance (3 of 4 stars; one submission).

Conditions:
Malignant hyperthermia, susceptibility to, 1 (MHS1). Also called: RYR1-Related Malignant Hyperthermia Susceptibility; Anesthesia related hyperthermia; Malignant hyperpyrexia; Fulminating hyperpyrexia; Pharmacogenic myopathy; Malignant hyperthermia suceptibility 1. Identifiers: Orphanet 423, MedGen C2930980, MONDO:0007783, OMIM 145600.

gnomAD v4.1: 3 of 1,613,884 alleles (0.00019%); highest among the groups gnomAD compares: Non-Finnish European, 0.00025%; no homozygotes.

Submission:

ClinGen Malignant Hyperthermia Susceptibility Variant Curation Expert Panel, ClinGen
Classification: Uncertain significance for Malignant hyperthermia, susceptibility to, 1. Last evaluated: 2025-08-01. Review status: reviewed by expert panel. Criteria: ClinGen MHS ACMG Specifications V2. Collection method: curation. Allele origin: germline. Inheritance: Autosomal dominant inheritance. Study: ClinGen.
Comment: This pathogenicity assessment is relevant only for malignant hyperthermia susceptibility (MHS) inherited in an autosomal dominant pattern. Variants in RYR1 can also cause other myopathies inherited in an autosomal dominant pattern or in an autosomal recessive pattern. Some of these disorders may predispose individuals to malignant hyperthermia. RYR1 variants may also contribute to a malignant hyperthermia reaction in combination with other genetic and non-genetic factors and the clinician needs to consider such factors in making management decisions. This sequence variant predicts a substitution of glycine with arginine at codon 684 of the RYR1 protein, p.(Gly684Arg). This variant was not present in a large population database (gnomAD) at the time this variant was interpreted. This variant has been reported in an individual with a personal or family history of an MH episode and a positive in vitro contracture test (IVCT) or caffeine halothane contracture test (CHCT) result (if the proband was unavailable for testing, a positive diagnostic test result in a mutation-positive relative was counted), PS4_Supporting (PMID:30236257). No functional studies were identified for this variant. This variant does not reside in a hotspot for pathogenic variants that contribute to MHS. A REVEL score >0.85 supports a pathogenic status for this variant, PP3_Moderate. This variant has been classified as a Variant of Unknown Significance. Criteria implemented: PS4_Supporting, PP3_Moderate.